The following is an entry in ClinVar:

NM_001830.4(CLCN4):c.775G>T (p.Ala259Ser)

Gene: CLCN4 (chloride voltage-gated channel 4; plus strand). Cytogenetic location: Xp22.2.
Variant type: single nucleotide variant.
Coding change: c.775G>T on transcript NM_001830.4 (MANE Select); coding-DNA position 775, G replaced by T.
Protein change: p.Ala259Ser; replaces alanine 259 with serine.
Molecular consequence: missense variant.
Genome position (GRCh38, 1-based): chrX:10,206,708, G>T. VCF-style: chrX-10206708-G-T. GRCh37 (hg19) VCF-style: chrX-10174748-G-T.
Other names: c.493G>T, p.Ala165Ser (NM_001256944.2); short protein forms A165S, A259S.
Identifiers: ClinVar variation 2629204 (VCV002629204.1), dbSNP rs2518884463, ClinGen allele CA412037121.

ClinVar aggregate classification (germline): Uncertain significance (1 of 4 stars; one submission).

Conditions:
CLCN4-related disorder. Identifiers: MedGen CN232948.

Submission:

PreventionGenetics, part of Exact Sciences
Classification: Uncertain significance for CLCN4-related condition. Last evaluated: 2023-07-30. Review status: criteria provided, single submitter. Criteria: ACMG Guidelines, 2015. Collection method: clinical testing. Allele origin: germline.
Comment: The CLCN4 c.775G>T variant is predicted to result in the amino acid substitution p.Ala259Ser. To our knowledge, this variant has not been reported in the literature or in a large population database, indicating this variant is rare. At this time, the clinical significance of this variant is uncertain due to the absence of conclusive functional and genetic evidence.